The following is an entry in ClinVar:

ClinVar aggregate classification (germline): Likely benign. Review status: criteria provided, multiple submitters, no conflicts (2 of 4 stars). 8 submissions from 8 submitters: Likely benign (4). 4 of the submissions do not count toward it. Last evaluated 2026-07-01.

Conditions:
NBEA-related disorder. Also called: NBEA-related condition.

Allele frequency attached by ClinVar (database versions not stated): 1000 Genomes Project 0.00100; TOPMed 0.00122; gnomAD 0.00124 and 0.00127; gnomAD exomes 0.00130 and 0.00181; ESP Exome Variant Server 0.00135; 1000 Genomes Project 30x 0.00141; ExAC 0.00186.
gnomAD v4.1: 2,753 of 1,585,416 alleles (0.17%); highest among the groups gnomAD compares: Non-Finnish European, 0.21%; 6 homozygotes.

Submissions (8):

CeGaT Center for Human Genetics Tuebingen
Classification: Likely benign. Last evaluated: 2026-07-01. Review status: criteria provided, single submitter. Criteria: CeGaT Center For Human Genetics Tuebingen Variant Classification Criteria Version 2. Collection method: clinical testing. Allele origin: germline. Affected: yes. Observed: 14 variant alleles.
Comment: NBEA: BS1

Blueprint Genetics
Classification: Likely benign. Last evaluated: 2024-11-27. Review status: criteria provided, single submitter. Criteria: ACMG Guidelines, 2015. Collection method: clinical testing. Allele origin: germline.

Labcorp Genetics (formerly Invitae), Labcorp
Classification: Likely benign. Last evaluated: 2018-08-10. Review status: criteria provided, single submitter. Criteria: Invitae Variant Classification Sherloc (09022015). Collection method: clinical testing. Allele origin: germline.

Breakthrough Genomics
Classification: Likely benign. Review status: criteria provided, single submitter. Criteria: ACMG Guidelines, 2015. Collection method: not provided. Allele origin: germline. Inheritance: Autosomal dominant inheritance. Affected: yes.

PreventionGenetics, part of Exact Sciences
Classification: Likely benign for NBEA-related condition. Last evaluated: 2024-06-26. Review status: no assertion criteria provided. Collection method: clinical testing. Allele origin: germline. Not counted in ClinVar's aggregate classification.
Comment: This variant is classified as likely benign based on ACMG/AMP sequence variant interpretation guidelines (Richards et al. 2015 PMID: 25741868, with internal and published modifications).

Clinical Genetics DNA and cytogenetics Diagnostics Lab, Erasmus MC, Erasmus Medical Center
Classification: Likely benign. Review status: no assertion criteria provided. Collection method: clinical testing. Allele origin: germline. Affected: yes. Study: VKGL Data-share Consensus. Not counted in ClinVar's aggregate classification.

Diagnostic Laboratory, Department of Genetics, University Medical Center Groningen
Classification: Likely benign. Review status: no assertion criteria provided. Collection method: clinical testing. Allele origin: germline. Affected: yes. Study: VKGL Data-share Consensus. Not counted in ClinVar's aggregate classification.

Genome Diagnostics Laboratory, University Medical Center Utrecht
Classification: Likely benign. Review status: no assertion criteria provided. Collection method: clinical testing. Allele origin: germline. Affected: yes. Study: VKGL Data-share Consensus. Not counted in ClinVar's aggregate classification.

NM_001385012.1(NBEA):c.3833G>A (p.Arg1278Gln)

Gene: NBEA (neurobeachin; plus strand). Cytogenetic location: 13q13.3.
Variant type: single nucleotide variant.
Coding change: c.3833G>A on transcript NM_001385012.1 (MANE Select); coding-DNA position 3833, G replaced by A.
Protein change: p.Arg1278Gln; replaces arginine 1278 with glutamine.
Molecular consequence: missense variant.
Genome position (GRCh38, 1-based): chr13:35,160,004, G>A. VCF-style: chr13-35160004-G-A. GRCh37 (hg19) VCF-style: chr13-35734141-G-A.
Other names: c.3833G>A, p.Arg1278Gln (NM_001379245.1, NM_015678.5); short protein forms R1278Q.
Identifiers: ClinVar variation 729567 (VCV000729567.31), dbSNP rs193066744, ClinGen allele CA6946692.